The following is an entry in ClinVar:

ClinVar aggregate classification (germline): Uncertain significance (1 of 4 stars; one submission).

Conditions:
Inborn genetic diseases. Identifiers: MedGen C0950123, MeSH D030342.

gnomAD v4.1: 1 of 1,613,776 alleles (0.000062%); highest among the groups gnomAD compares: South Asian, 0.0011%; no homozygotes.

Submission:

Ambry Genetics
Classification: Uncertain significance for Inborn genetic diseases. Last evaluated: 2023-08-29. Review status: criteria provided, single submitter. Criteria: Ambry Variant Classification Scheme 2023. Collection method: clinical testing. Allele origin: germline.
Comment: The p.D896Y variant (also known as c.2686G>T), located in coding exon 21 of the BUB1B gene, results from a G to T substitution at nucleotide position 2686. The aspartic acid at codon 896 is replaced by tyrosine, an amino acid with highly dissimilar properties. This amino acid position is conserved. In addition, the in silico prediction for this alteration is inconclusive. Since supporting evidence is limited at this time, the clinical significance of this alteration remains unclear.

NM_001211.6(BUB1B):c.2686G>T (p.Asp896Tyr)

Genes: BUB1B (BUB1 mitotic checkpoint serine/threonine kinase B; plus strand), BUB1B-PAK6 (BUB1B-PAK6 readthrough; plus strand). Cytogenetic location: 15q15.1.
Variant type: single nucleotide variant.
Coding change: c.2686G>T on transcript NM_001211.6 (MANE Select); coding-DNA position 2686, G replaced by T.
Protein change: p.Asp896Tyr; replaces aspartic acid 896 with tyrosine.
Molecular consequence: missense variant. On other transcripts: 5 prime UTR variant (2).
Genome position (GRCh38, 1-based): chr15:40,217,503, G>T. VCF-style: chr15-40217503-G-T. GRCh37 (hg19) VCF-style: chr15-40509704-G-T.
Other names: c.-365G>T (NM_001128628.3); c.-282G>T (NM_001128629.3); short protein forms D896Y.
Identifiers: ClinVar variation 2624689 (VCV002624689.2), dbSNP rs778645750, ClinGen allele CA7476106.